The following is an entry in ClinVar:

ClinVar aggregate classification (germline): Pathogenic. Review status: reviewed by expert panel (3 of 4 stars). 2 submissions from 2 submitters: Pathogenic (1). 1 of the submissions does not count toward it. Last evaluated 2017-12-15.

Conditions:
Breast-ovarian cancer, familial, susceptibility to, 1 (BROVCA1). Also called: OVARIAN CANCER, SUSCEPTIBILITY TO; BRCA1 Hereditary Breast and Ovarian Cancer. Identifiers: Orphanet 145, MedGen C2676676, MONDO:0011450, OMIM 604370. Disease mechanism: loss of function.
Familial cancer of breast. Also called: Hereditary breast cancer; hereditary breast carcinoma; BREAST CANCER, FAMILIAL. Identifiers: Orphanet 227535, MedGen C0346153, MONDO:0016419, OMIM 114480. Disease mechanism: loss of function.

Submissions (2):

Evidence-based Network for the Interpretation of Germline Mutant Alleles (ENIGMA)
Classification: Pathogenic for Breast-ovarian cancer, familial, susceptibility to, 1. Last evaluated: 2017-12-15. Review status: reviewed by expert panel. Criteria: ENIGMA BRCA1/2 Classification Criteria (2017-06-29). Collection method: curation. Allele origin: germline. Study: ENIGMA.
Comment: Variant allele predicted to encode a truncated non-functional protein.

ClinVar Staff, National Center for Biotechnology Information (NCBI)
No classification provided. Condition: Familial cancer of breast. Review status: no classification provided. Collection method: literature only. Allele origin: germline. Affected: yes. Not counted in ClinVar's aggregate classification.

Literature cited by the submitters: PubMed 17972177 (cited by ClinVar Staff, National Center for Biotechnology Information (NCBI)).

NM_007294.4(BRCA1):c.2665dup (p.Ser889fs)

Gene: BRCA1 (BRCA1 DNA repair associated; minus strand). Cytogenetic location: 17q21.31.
Variant type: Duplication.
Coding change: c.2665dup on transcript NM_007294.4 (MANE Select); coding-DNA position 2665, one base duplicated (T; older notation c.2665dupT).
Protein change: p.Ser889fs; shifts the reading frame from serine 889.
Molecular consequence: frameshift variant. On other transcripts: intron variant (137).
Genome position (GRCh38, 1-based): chr17:43,092,866, A duplicated on the plus strand (T on the coding strand, the reverse complement: BRCA1 is on the minus strand). VCF-style (leftmost placement, unchanged base first): chr17-43092865-G-GA. GRCh37 (hg19) VCF-style: chr17-41244882-G-GA.
Other names: c.2665dupT (NM_007294.3); c.2452dup, p.Ser818fs (NM_001407571.1, NM_001407853.1, NM_001407894.1 and 9 more transcripts); c.2665dup, p.Ser889fs (NM_001407581.1, NM_001407582.1, NM_001407583.1 and 30 more transcripts); c.2662dup, p.Ser888fs (NM_001407587.1, NM_001407590.1, NM_001407591.1 and 22 more transcripts); c.2656dup, p.Ser886fs (NM_001407646.1, NM_001407647.1); c.2542dup, p.Ser848fs (NM_001407648.1, NM_001407664.1, NM_001407665.1 and 19 more transcripts); c.2539dup, p.Ser847fs (NM_001407649.1, NM_001407670.1, NM_001407671.1 and 11 more transcripts); c.2587dup, p.Ser863fs (NM_001407653.1, NM_001407654.1, NM_001407655.1 and 4 more transcripts); and 42 more; short protein forms S889fs, S842fs, S593fs, S778fs, S862fs, S888fs, S761fs, S800fs.
Identifiers: ClinVar variation 54633 (VCV000054633.3), dbSNP rs397508992, ClinGen allele CA327829.
Genomic context (GRCh38, chr17:43,092,865, plus strand): 5'-TTTTCTTCCTTTTGTTCACATTCAAAAGTGACTTTTGGACTTTGTTTCTTTAAGGACCCA[G>GA]AGTGGGCAGAGAATGTTGCACATTCCTCTTCTGCATTTCCTGGATTTGAAAACGGAGCAA-3'